The following is an entry in ClinVar:

NM_000047.3(ARSL):c.113C>T (p.Pro38Leu)

Gene: ARSL (arylsulfatase L; minus strand). Cytogenetic location: Xp22.33.
Variant type: single nucleotide variant.
Coding change: c.113C>T on transcript NM_000047.3 (MANE Select); coding-DNA position 113, C replaced by T.
Protein change: p.Pro38Leu; replaces proline 38 with leucine.
Molecular consequence: missense variant. On other transcripts: intron variant (1).
Genome position (GRCh38, 1-based): chrX:2,958,346, G>A on the plus strand (C>T on the coding strand, the complement: ARSL is on the minus strand). VCF-style: chrX-2958346-G-A. GRCh37 (hg19) VCF-style: chrX-2876387-G-A.
Other names: c.188C>T, p.Pro63Leu (NM_001282628.2, NM_001369080.1); c.140C>T, p.Pro47Leu (NM_001369079.1); c.23+2032C>T (NM_001282631.2); short protein forms P38L, P47L, P63L.
Identifiers: ClinVar variation 1054704 (VCV001054704.8), dbSNP rs756547783, ClinGen allele CA325985778.

ClinVar aggregate classification (germline): Uncertain significance. Review status: criteria provided, multiple submitters, no conflicts (2 of 4 stars). 2 submissions from 2 submitters: Uncertain significance (2). Last evaluated 2022-09-07.

Conditions:
X-linked chondrodysplasia punctata 1 (CDPX1). Also called: Chondrodysplasia punctata, X-linked recessive; CHONDRODYSPLASIA PUNCTATA, BRACHYTELEPHALANGIC. Identifiers: Orphanet 79345, MedGen C3669395, MONDO:0010555, OMIM 302950.
Chondrodysplasia punctata, brachytelephalangic, autosomal. Also called: BRACHYTELEPHALANGIC CHONDRODYSPLASIA PUNCTATA. Identifiers: MedGen C1844853, MONDO:0011238, OMIM 602497.

Allele frequency attached by ClinVar (database versions not stated): TOPMed below 0.00001; gnomAD exomes 0.00001.
gnomAD v4.1: 16 of 1,211,810 alleles (0.0013%); highest among the groups gnomAD compares: South Asian, 0.007%; no homozygotes.

Submissions (2):

Labcorp Genetics (formerly Invitae), Labcorp
Classification: Uncertain significance for Chondrodysplasia punctata, brachytelephalangic, autosomal. Last evaluated: 2022-09-07. Review status: criteria provided, single submitter. Criteria: Invitae Variant Classification Sherloc (09022015). Collection method: clinical testing. Allele origin: germline.
Comment: This sequence change replaces proline, which is neutral and non-polar, with leucine, which is neutral and non-polar, at codon 38 of the ARSE protein (p.Pro38Leu). The frequency data for this variant in the population databases is considered unreliable, as metrics indicate poor data quality at this position in the gnomAD database. This variant has not been reported in the literature in individuals affected with ARSE-related conditions. ClinVar contains an entry for this variant (Variation ID: 1054704). Algorithms developed to predict the effect of missense changes on protein structure and function (SIFT, PolyPhen-2, Align-GVGD) all suggest that this variant is likely to be disruptive. In summary, the available evidence is currently insufficient to determine the role of this variant in disease. Therefore, it has been classified as a Variant of Uncertain Significance.

Neuberg Centre For Genomic Medicine, NCGM
Classification: Uncertain significance for X-linked chondrodysplasia punctata 1. Review status: criteria provided, single submitter. Criteria: ACMG Guidelines, 2015. Collection method: clinical testing. Allele origin: germline. Inheritance: X-linked recessive inheritance. Affected: yes.
Comment: The observed missense variant c.113C>T(p.Pro38Leu) in ARSL gene has not been reported previously as a pathogenic variant nor as a benign variant, to our knowledge. This variant is reported with the allele frequency of 0.0005% in the gnomAD. The amino acid Pro at position 38 is changed to a Leu changing protein sequence and it might alter its composition and physico-chemical properties. This variant has been reported to the ClinVar database as Uncertain Significance. Multiple lines of computational evidence (Polyphen - Probably Damaging, SIFT - Damaging, and MutationTaster - Disease causing) predict a damaging effect on protein structure and function for this variant. The amino acid change p.Pro38Leu in ARSL is predicted as conserved by GERP++ and PhyloP across 100 vertebrates. For these reasons, this variant has been classified as uncertain significance .